The following is an entry in ClinVar:

ClinVar aggregate classification (germline): Conflicting classifications of pathogenicity. Review status: criteria provided, conflicting classifications (1 of 4 stars). 3 submissions from 3 submitters: Pathogenic (1); Likely pathogenic (1); Uncertain significance (1). Last evaluated 2024-02-15.

Conditions:
Inborn genetic diseases. Identifiers: MedGen C0950123, MeSH D030342.

Submissions (3):

Revvity Omics, Revvity
Classification: Uncertain significance. Last evaluated: 2024-02-15. Review status: criteria provided, single submitter. Criteria: ACMG Guidelines, 2015. Collection method: clinical testing. Allele origin: germline.

Institute of Medical Genetics and Applied Genomics, University Hospital Tübingen
Classification: Likely pathogenic. Last evaluated: 2020-10-23. Review status: criteria provided, single submitter. Criteria: ACMG Guidelines, 2015. Collection method: clinical testing. Allele origin: germline. Inheritance: Unknown mechanism. Affected: yes.

Ambry Genetics
Classification: Pathogenic for Inborn genetic diseases. Last evaluated: 2019-05-08. Review status: criteria provided, single submitter. Criteria: Ambry Variant Classification Scheme 2023. Collection method: clinical testing. Allele origin: germline.
Comment: The c.104+3_104+6delAAGT intronic pathogenic mutation, located in intron 2 of the FMR1 gene, results from a deletion of 4 nucleotides within intron 2 of the FMR1 gene. This variant has been identified as a de novo mutation in one family with an isolated case of developmental delay, autism spectrum disorder, and microcephaly. These nucleotide positions are highly conserved through mammals. This mutation was not reported in population-based cohorts in the Genome Aggregation Database (gnomAD). Using the BDGP and ESEfinder splice site prediction tools, this alteration is predicted to abolish the native splice donor site. In addition, RNA studies have demonstrated that this alteration results in abnormal splicing in the set of samples tested (Ambry internal data). Based on the supporting evidence, this alteration is interpreted as a disease-causing mutation.

NM_002024.6(FMR1):c.104+3_104+6del

Gene: FMR1 (fragile X messenger ribonucleoprotein 1; plus strand). Cytogenetic location: Xq27.3.
Variant type: Microsatellite.
Coding change: c.104+3_104+6del on transcript NM_002024.6 (MANE Select); bases 3 to 6 of the intron after coding-DNA position 104, 4 bases deleted (AAGT; older notation c.104+3_104+6delAAGT).
Molecular consequence: splice donor variant.
Genome position (GRCh38, 1-based): chrX:147,921,988-147,921,991, AAGT deleted; deleting any 4 consecutive bases within chrX:147,921,984-147,921,991 gives the same sequence; the c. name uses the placement nearest the transcript's 3' end. VCF-style (leftmost placement, unchanged base first): chrX-147921983-CAAGT-C. GRCh37 (hg19) VCF-style: chrX-147003501-CAAGT-C.
Other names: c.104+3_104+6del (NM_001185075.2, NM_001185076.2, NM_001185082.2 and 2 more transcripts); c.104+3_104+6delAAGT (NM_002024.5).
Identifiers: ClinVar variation 987256 (VCV000987256.5), dbSNP rs2043190584, ClinGen allele CA2464449350.
Genomic context (GRCh38, chrX:147,921,983, plus strand): 5'-TCTTACACAGGCATTTGTAAAGGATGTTCATGAAGATTCAATAACAGTTGCATTTGAAAA[CAAGT>C]AAGTGTCTCGTTATATAATTTTAATGATGAGGTTCTTTAATATTTTATGCTAATTCTACT-3'